The following is an entry in ClinVar:

NM_016247.4(IMPG2):c.957C>A (p.Ser319Arg)

Gene: IMPG2 (interphotoreceptor matrix proteoglycan 2; minus strand). Cytogenetic location: 3q12.3.
Variant type: single nucleotide variant.
Coding change: c.957C>A on transcript NM_016247.4 (MANE Select); coding-DNA position 957, C replaced by A.
Protein change: p.Ser319Arg; replaces serine 319 with arginine.
Molecular consequence: missense variant.
Genome position (GRCh38, 1-based): chr3:101,257,725, G>T on the plus strand (C>A on the coding strand, the complement: IMPG2 is on the minus strand). VCF-style: chr3-101257725-G-T. GRCh37 (hg19) VCF-style: chr3-100976569-G-T.
Other names: short protein forms S319R.
Identifiers: ClinVar variation 1928527 (VCV001928527.7), dbSNP rs752527328, ClinGen allele CA2519304.

ClinVar aggregate classification (germline): Uncertain significance. Review status: criteria provided, multiple submitters, no conflicts (2 of 4 stars). 3 submissions from 3 submitters: Uncertain significance (2). 1 of the submissions does not count toward it. Last evaluated 2024-08-06.

Conditions:
Retinal dystrophy. Also called: Inherited retinal dystrophy. Identifiers: Orphanet 71862, MedGen C0854723, MeSH D058499, MONDO:0019118, HP:0000556.

Allele frequency attached by ClinVar (database versions not stated): gnomAD exomes below 0.00001; gnomAD 0.00001; ExAC 0.00002.

Submissions (3):

Blueprint Genetics
Classification: Uncertain significance. Last evaluated: 2024-08-06. Review status: criteria provided, single submitter. Criteria: ACMG Guidelines, 2015. Collection method: clinical testing. Allele origin: germline.

Labcorp Genetics (formerly Invitae), Labcorp
Classification: Uncertain significance. Last evaluated: 2022-11-08. Review status: criteria provided, single submitter. Criteria: Invitae Variant Classification Sherloc (09022015). Collection method: clinical testing. Allele origin: germline.
Comment: This sequence change replaces serine, which is neutral and polar, with arginine, which is basic and polar, at codon 319 of the IMPG2 protein (p.Ser319Arg). In summary, the available evidence is currently insufficient to determine the role of this variant in disease. Therefore, it has been classified as a Variant of Uncertain Significance. Advanced modeling of protein sequence and biophysical properties (such as structural, functional, and spatial information, amino acid conservation, physicochemical variation, residue mobility, and thermodynamic stability) performed at Invitae indicates that this missense variant is expected to disrupt IMPG2 protein function. This variant has not been reported in the literature in individuals affected with IMPG2-related conditions. This variant is present in population databases (rs752527328, gnomAD 0.002%).

Institute of Human Genetics, Univ. Regensburg, Univ. Regensburg
Classification: Uncertain significance for Retinal dystrophy. Last evaluated: 2020-01-01. Review status: no assertion criteria provided. Criteria: ACMG Guidelines, 2015. Collection method: clinical testing. Allele origin: germline. Affected: yes. Not counted in ClinVar's aggregate classification.